The following is an entry in ClinVar:

NM_001009944.3(PKD1):c.853_854del (p.Ala285fs)

Gene: PKD1 (polycystin 1, transient receptor potential channel interacting; minus strand). Cytogenetic location: 16p13.3.
Variant type: Deletion.
Coding change: c.853_854del on transcript NM_001009944.3 (MANE Select); coding-DNA positions 853 to 854, 2 bases deleted (GC; older notation c.853_854delGC).
Protein change: p.Ala285fs; shifts the reading frame from alanine 285.
Molecular consequence: frameshift variant.
Genome position (GRCh38, 1-based): chr16:2,118,138-2,118,139, GC deleted on the plus strand (GC on the coding strand, the reverse complement: PKD1 is on the minus strand). VCF-style (leftmost placement, unchanged base first): chr16-2118137-GGC-G. GRCh37 (hg19) VCF-style: chr16-2168138-GGC-G.
Other names: c.853_854delGC (NM_001009944.3); c.853_854del, p.Ala285fs (NM_000296.4); short protein forms A285fs.
Identifiers: ClinVar variation 4847309 (VCV004847309.1).

ClinVar aggregate classification (germline): Pathogenic (1 of 4 stars; one submission).

Conditions:
Polycystic kidney disease, adult type (PKD1). Also called: Polycystic Kidney Disease 1, Autosomal Dominant; Polycystic kidney disease 1; Polycystic kidney disease 1, severe; Polycystic Kidney, Autosomal Dominant; POLYCYSTIC KIDNEY DISEASE, ADULT, TYPE I; POLYCYSTIC KIDNEY DISEASE 1 WITH OR WITHOUT POLYCYSTIC LIVER DISEASE. Identifiers: MedGen C3149841, MONDO:0008263, OMIM 173900.

Submission:

Women's Health and Genetics/Laboratory Corporation of America, LabCorp
Classification: Pathogenic for Polycystic kidney disease, adult type. Last evaluated: 2026-03-12. Review status: criteria provided, single submitter. Criteria: LabCorp Variant Classification Summary - May 2015. Collection method: clinical testing. Allele origin: germline.
Comment: Variant summary: PKD1 c.853_854delGC (p.Ala285LeufsX85) results in a premature termination codon, predicted to cause a truncation of the encoded protein or absence of the protein due to nonsense mediated decay, which are commonly known mechanisms for disease. The frequency data for this variant in gnomAD is considered unreliable, as metrics indicate poor data quality at this position. To our knowledge, no occurrence of c.853_854delGC in individuals affected with PKD1-related conditions and no experimental evidence demonstrating its impact on protein function have been reported. No submitters have cited clinical-significance assessments for this variant to ClinVar. Based on the evidence outlined above, the variant was classified as pathogenic.